The following is an entry in ClinVar:

ClinVar aggregate classification (germline): Uncertain significance (1 of 4 stars; one submission).

Allele frequency attached by ClinVar (database versions not stated): gnomAD 0.00001; gnomAD exomes 0.00001; TOPMed 0.00001.
gnomAD v4.1: 8 of 1,613,992 alleles (0.0005%); highest among the groups gnomAD compares: Non-Finnish European, 0.00068%; no homozygotes.

Submission:

Labcorp Genetics (formerly Invitae), Labcorp
Classification: Uncertain significance. Last evaluated: 2025-05-12. Review status: criteria provided, single submitter. Criteria: Invitae Variant Classification Sherloc (09022015). Collection method: clinical testing. Allele origin: germline.
Comment: This sequence change replaces glutamic acid, which is acidic and polar, with lysine, which is basic and polar, at codon 365 of the ALDH6A1 protein (p.Glu365Lys). This variant is present in population databases (no rsID available, gnomAD 0.007%). This variant has not been reported in the literature in individuals affected with ALDH6A1-related conditions. ClinVar contains an entry for this variant (Variation ID: 1389226). Invitae Evidence Modeling of protein sequence and biophysical properties (such as structural, functional, and spatial information, amino acid conservation, physicochemical variation, residue mobility, and thermodynamic stability) indicates that this missense variant is not expected to disrupt ALDH6A1 protein function with a negative predictive value of 95%. In summary, the available evidence is currently insufficient to determine the role of this variant in disease. Therefore, it has been classified as a Variant of Uncertain Significance.

NM_005589.4(ALDH6A1):c.1093G>A (p.Glu365Lys)

Genes: ALDH6A1 (aldehyde dehydrogenase 6 family member A1; minus strand), BBOF1 (basal body orientation factor 1; plus strand). Cytogenetic location: 14q24.3.
Variant type: single nucleotide variant.
Coding change: c.1093G>A on transcript NM_005589.4 (MANE Select); coding-DNA position 1093, G replaced by A.
Protein change: p.Glu365Lys; replaces glutamic acid 365 with lysine.
Molecular consequence: missense variant.
Genome position (GRCh38, 1-based): chr14:74,066,836, C>T on the plus strand (G>A on the coding strand, the complement: ALDH6A1 is on the minus strand). VCF-style: chr14-74066836-C-T. GRCh37 (hg19) VCF-style: chr14-74533539-C-T.
Other names: c.1054G>A, p.Glu352Lys (NM_001278593.2); c.631G>A, p.Glu211Lys (NM_001278594.2); short protein forms E352K, E365K, E211K.
Identifiers: ClinVar variation 1389226 (VCV001389226.8), dbSNP rs1243224225, ClinGen allele CA390368590.